The following is an entry in ClinVar:

ClinVar aggregate classification (germline): Conflicting classifications of pathogenicity. Review status: criteria provided, conflicting classifications (1 of 4 stars). 3 submissions from 3 submitters: Uncertain significance (2); Likely benign (1). Last evaluated 2025-09-26.

Conditions:
Inborn genetic diseases. Identifiers: MedGen C0950123, MeSH D030342.
Charcot-Marie-Tooth disease axonal type 2C (HMSN2C). Also called: Charcot-Marie-Tooth Disease Type 2, TRPV4-Related (CMT2C); CHARCOT-MARIE-TOOTH DISEASE, AXONAL, AUTOSOMAL DOMINANT, TYPE 2C; Charcot-Marie-Tooth Neuropathy Type 2C. Identifiers: Orphanet 99937, MedGen C1853710, MONDO:0011633, OMIM 606071.

Allele frequency attached by ClinVar (database versions not stated): gnomAD exomes 0.00001 and 0.00002; gnomAD 0.00001; TOPMed 0.00001; ExAC 0.00003.
gnomAD v4.1: 17 of 1,612,790 alleles (0.0011%); highest among the groups gnomAD compares: South Asian, 0.0066%; no homozygotes.

Submissions (3):

Ambry Genetics
Classification: Likely benign for Inborn genetic diseases. Last evaluated: 2025-09-26. Review status: criteria provided, single submitter. Criteria: Ambry Variant Classification Scheme 2023. Collection method: clinical testing. Allele origin: germline.

Labcorp Genetics (formerly Invitae), Labcorp
Classification: Uncertain significance for Charcot-Marie-Tooth disease axonal type 2C. Last evaluated: 2025-05-21. Review status: criteria provided, single submitter. Criteria: Invitae Variant Classification Sherloc (09022015). Collection method: clinical testing. Allele origin: germline.
Comment: This sequence change replaces arginine, which is basic and polar, with tryptophan, which is neutral and slightly polar, at codon 391 of the TRPV4 protein (p.Arg391Trp). The frequency data for this variant in the population databases is considered unreliable, as metrics indicate poor data quality at this position in the gnomAD database. This variant has not been reported in the literature in individuals affected with TRPV4-related conditions. ClinVar contains an entry for this variant (Variation ID: 1318860). Invitae Evidence Modeling of protein sequence and biophysical properties (such as structural, functional, and spatial information, amino acid conservation, physicochemical variation, residue mobility, and thermodynamic stability) indicates that this missense variant is expected to disrupt TRPV4 protein function with a positive predictive value of 95%. In summary, the available evidence is currently insufficient to determine the role of this variant in disease. Therefore, it has been classified as a Variant of Uncertain Significance.

GeneDx
Classification: Uncertain significance. Last evaluated: 2019-09-09. Review status: criteria provided, single submitter. Criteria: GeneDx Variant Classification Process June 2021. Collection method: clinical testing. Allele origin: germline. Affected: yes.
Comment: Has not been previously published as pathogenic or benign to our knowledge; In silico analysis, which includes protein predictors and evolutionary conservation, supports a deleterious effect

NM_021625.5(TRPV4):c.1171C>T (p.Arg391Trp)

Gene: TRPV4 (transient receptor potential cation channel subfamily V member 4; minus strand). Cytogenetic location: 12q24.11.
Variant type: single nucleotide variant.
Coding change: c.1171C>T on transcript NM_021625.5 (MANE Select); coding-DNA position 1171, C replaced by T.
Protein change: p.Arg391Trp; replaces arginine 391 with tryptophan.
Molecular consequence: missense variant. On other transcripts: intron variant (2).
Genome position (GRCh38, 1-based): chr12:109,796,686, G>A on the plus strand (C>T on the coding strand, the complement: TRPV4 is on the minus strand). VCF-style: chr12-109796686-G-A. GRCh37 (hg19) VCF-style: chr12-110234491-G-A.
Other names: c.1030C>T, p.Arg344Trp (NM_001177428.2); c.1069C>T, p.Arg357Trp (NM_001177431.2); c.1011+1928C>T (NM_001177433.1); c.1152+1928C>T (NM_147204.2); short protein forms R344W, R357W, R391W.
Identifiers: ClinVar variation 1318860 (VCV001318860.6), dbSNP rs775385702, ClinGen allele CA6780316.
Genomic context (GRCh38, chr12:109,796,686, plus strand): 5'-AGGCCCAGTCCTTGAACTTGCGGGACAGGTGCCGTGTGTCCTCATCCGTCACCTCCCGCC[G>A]GATGATGTGCTGAAAGATCTGCACAGGGGGCCAGGAGGGTCAGGGGGCTCACACTGGAAA-3'
Protein context (NP_067638.3, residues 381-401): GKIGIFQHII[Arg391Trp]REVTDEDTRH